The following is an entry in ClinVar:

NM_000038.6(APC):c.934-19A>G

Gene: APC (APC regulator of Wnt signaling pathway; plus strand). Cytogenetic location: 5q22.2.
Variant type: single nucleotide variant.
Coding change: c.934-19A>G on transcript NM_000038.6 (MANE Select); 19 bases into the intron before coding-DNA position 934, A replaced by G.
Molecular consequence: intron variant.
Genome position (GRCh38, 1-based): chr5:112,818,947, A>G. VCF-style: chr5-112818947-A-G. GRCh37 (hg19) VCF-style: chr5-112154644-A-G.
Other names: c.85-19A>G (NM_001407470.1, NM_001354906.2); c.85-322A>G (NM_001407472.1, NM_001407471.1); c.934-19A>G (NM_001407447.1, NM_001354895.2, NM_001407448.1 and 4 more transcripts); c.934-322A>G (NM_001407456.1, NM_001407460.1, NM_001407457.1 and 5 more transcripts); c.850-19A>G (NM_001407452.1, NM_001354899.2); c.850-322A>G (NM_001407469.1, NM_001407467.1); c.964-19A>G (NM_001407446.1, NM_001354897.2); c.964-322A>G (NM_001354902.2); and 5 more.
Identifiers: ClinVar variation 3148033 (VCV003148033.2), dbSNP rs2149778404, ClinGen allele CA2578379765.
Genomic context (GRCh38, chr5:112,818,947, plus strand): 5'-TCCCATTCATCACTTAATTGGTTTTTGGCTTTTGGATATTAAAGTCGTAATTTTGTTTCT[A>G]AACTCATTTGGCCCACAGGTGGAAATGGTGTATTCATTGTTGTCAATGCTTGGTACTCAT-3'

ClinVar aggregate classification (germline): Likely benign. Review status: criteria provided, multiple submitters, no conflicts (2 of 4 stars). 2 submissions from 2 submitters: Likely benign (2). Last evaluated 2025-02-27.

Conditions:
Familial adenomatous polyposis 1 (FAP1). Also called: POLYPOSIS, ADENOMATOUS INTESTINAL; FAMILIAL ADENOMATOUS POLYPOSIS 1, ATTENUATED. Identifiers: MedGen C2713442, MONDO:0021056, OMIM 175100. Disease mechanism: loss of function.

Submissions (2):

Labcorp Genetics (formerly Invitae), Labcorp
Classification: Likely benign for Familial adenomatous polyposis 1. Last evaluated: 2025-02-27. Review status: criteria provided, single submitter. Criteria: Invitae Variant Classification Sherloc (09022015). Collection method: clinical testing. Allele origin: germline.

Myriad Genetics, Inc.
Classification: Likely benign for Familial adenomatous polyposis 1. Last evaluated: 2024-02-29. Review status: criteria provided, single submitter. Criteria: Myriad Autosomal Dominant, Autosomal Recessive and X-Linked Classification Criteria (2023). Collection method: clinical testing. Allele origin: unknown.
Comment: This variant is considered likely benign. This variant is intronic and is not expected to impact mRNA splicing.